The following is an entry in ClinVar:

ClinVar aggregate classification (germline): Pathogenic (1 of 4 stars; one submission).

Submission:

Labcorp Genetics (formerly Invitae), Labcorp
Classification: Pathogenic. Last evaluated: 2024-10-17. Review status: criteria provided, single submitter. Criteria: Invitae Variant Classification Sherloc (09022015). Collection method: clinical testing. Allele origin: germline.
Comment: This sequence change creates a premature translational stop signal (p.Arg1152Aspfs*10) in the WDR62 gene. It is expected to result in an absent or disrupted protein product. Loss-of-function variants in WDR62 are known to be pathogenic (PMID: 20729831). This variant is not present in population databases (gnomAD no frequency). This variant has not been reported in the literature in individuals affected with WDR62-related conditions. For these reasons, this variant has been classified as Pathogenic.

Literature cited by the submitters: PubMed 20729831.

NM_001083961.2(WDR62):c.3454_3455del (p.Arg1152fs)

Gene: WDR62 (WD repeat domain 62; plus strand). Cytogenetic location: 19q13.12.
Variant type: Deletion.
Coding change: c.3454_3455del on transcript NM_001083961.2 (MANE Select); coding-DNA positions 3454 to 3455, 2 bases deleted (AG; older notation c.3454_3455delAG).
Protein change: p.Arg1152fs; shifts the reading frame from arginine 1152.
Molecular consequence: frameshift variant.
Genome position (GRCh38, 1-based): chr19:36,103,066-36,103,067, AG deleted. VCF-style (leftmost placement, unchanged base first): chr19-36103065-CAG-C. GRCh37 (hg19) VCF-style: chr19-36593967-CAG-C.
Other names: c.3439_3440del, p.Arg1147fs (NM_001411145.1, NM_173636.5); c.3205_3206del, p.Arg1069fs (NM_001411146.1); c.3103_3104del, p.Arg1035fs (NM_001411147.1); short protein forms R1069fs, R1147fs, R1152fs, R1035fs.
Identifiers: ClinVar variation 2814429 (VCV002814429.3), dbSNP rs2513777740, ClinGen allele CA2739276657.